The following is an entry in ClinVar:

NM_002796.3(PSMB4):c.50C>T (p.Ala17Val)

Gene: PSMB4 (proteasome 20S subunit beta 4; plus strand). Cytogenetic location: 1q21.3.
Variant type: single nucleotide variant.
Coding change: c.50C>T on transcript NM_002796.3 (MANE Select); coding-DNA position 50, C replaced by T.
Protein change: p.Ala17Val; replaces alanine 17 with valine.
Molecular consequence: missense variant.
Genome position (GRCh38, 1-based): chr1:151,399,637, C>T. VCF-style: chr1-151399637-C-T. GRCh37 (hg19) VCF-style: chr1-151372113-C-T.
Other names: short protein forms A17V.
Identifiers: ClinVar variation 1354008 (VCV001354008.6), dbSNP rs1300175557, ClinGen allele CA341919186.
Genomic context (GRCh38, chr1:151,399,637, plus strand): 5'-CCGTGACTAAGATGGAAGCGTTTTTGGGGTCGCGGTCCGGACTTTGGGCGGGGGGTCCGG[C>T]CCCAGGACAGTTTTACCGCATTCCGTCCACTCCCGATTCCTTCATGGATCCGGCGTCTGC-3'
Protein context (NP_002787.2, residues 7-27): SRSGLWAGGP[Ala17Val]PGQFYRIPST

ClinVar aggregate classification (germline): Uncertain significance (1 of 4 stars; one submission).

Allele frequency attached by ClinVar (database versions not stated): gnomAD 0.00001; gnomAD exomes 0.00001; TOPMed 0.00002.

Submission:

Labcorp Genetics (formerly Invitae), Labcorp
Classification: Uncertain significance. Last evaluated: 2023-03-01. Review status: criteria provided, single submitter. Criteria: Invitae Variant Classification Sherloc (09022015). Collection method: clinical testing. Allele origin: germline.
Comment: This variant has not been reported in the literature in individuals affected with PSMB4-related conditions. This variant is present in population databases (no rsID available, gnomAD 0.009%). This sequence change replaces alanine, which is neutral and non-polar, with valine, which is neutral and non-polar, at codon 17 of the PSMB4 protein (p.Ala17Val). ClinVar contains an entry for this variant (Variation ID: 1354008). In summary, the available evidence is currently insufficient to determine the role of this variant in disease. Therefore, it has been classified as a Variant of Uncertain Significance. Algorithms developed to predict the effect of missense changes on protein structure and function output the following: SIFT: "Not Available"; PolyPhen-2: "Benign"; Align-GVGD: "Not Available". The valine amino acid residue is found in multiple mammalian species, which suggests that this missense change does not adversely affect protein function.